The following is an entry in ClinVar:

ClinVar aggregate classification (germline): Likely pathogenic (1 of 4 stars; one submission).

Conditions:
Microcephaly-intellectual disability-sensorineural hearing loss-epilepsy-abnormal muscle tone syndrome (NEDHSB). Also called: NEURODEVELOPMENTAL DISORDER WITH HEARING LOSS, SEIZURES, AND BRAIN ABNORMALITIES. Identifiers: Orphanet 457351, MedGen C4225276, MONDO:0014698, OMIM 616577.

Submission:

Labcorp Genetics (formerly Invitae), Labcorp
Classification: Likely pathogenic for Microcephaly-intellectual disability-sensorineural hearing loss-epilepsy-abnormal muscle tone syndrome. Last evaluated: 2022-11-29. Review status: criteria provided, single submitter. Criteria: Invitae Variant Classification Sherloc (09022015). Collection method: clinical testing. Allele origin: germline.
Comment: In summary, the currently available evidence indicates that the variant is pathogenic, but additional data are needed to prove that conclusively. Therefore, this variant has been classified as Likely Pathogenic. Advanced modeling of protein sequence and biophysical properties (such as structural, functional, and spatial information, amino acid conservation, physicochemical variation, residue mobility, and thermodynamic stability) performed at Invitae indicates that this missense variant is expected to disrupt SPATA5 protein function. ClinVar contains an entry for this variant (Variation ID: 1053287). This missense change has been observed in individual(s) with SPATA5-related epilepsy (PMID: 26299366). In at least one individual the data is consistent with being in trans (on the opposite chromosome) from a pathogenic variant. It has also been observed to segregate with disease in related individuals. This variant is not present in population databases (gnomAD no frequency). This sequence change replaces tryptophan, which is neutral and slightly polar, with cysteine, which is neutral and slightly polar, at codon 626 of the SPATA5 protein (p.Trp626Cys).

Literature cited by the submitters: PubMed 26299366.

NM_145207.3(AFG2A):c.1878G>T (p.Trp626Cys)

Gene: AFG2A (AAA ATPase AFG2A; plus strand). Cytogenetic location: 4q28.1.
Variant type: single nucleotide variant.
Coding change: c.1878G>T on transcript NM_145207.3 (MANE Select); coding-DNA position 1878, G replaced by T.
Protein change: p.Trp626Cys; replaces tryptophan 626 with cysteine.
Molecular consequence: missense variant.
Genome position (GRCh38, 1-based): chr4:123,028,194, G>T. VCF-style: chr4-123028194-G-T. GRCh37 (hg19) VCF-style: chr4-123949349-G-T.
Other names: c.1875G>T, p.Trp625Cys (NM_001317799.2, NM_001345856.2); short protein forms W625C, W626C.
Identifiers: ClinVar variation 1053287 (VCV001053287.4), dbSNP rs1553969639, ClinGen allele CA358102188.
Genomic context (GRCh38, chr4:123,028,194, plus strand): 5'-TTCTCTGTTTGTCCTGGCAAAACTTATATTTGGAAAATGTTCTATTTTTCAGGTATCCTG[G>T]TCAGATATAGGAGGACTGGAAAGTATCAAACTGAAGTTGGAACAGGCTGTGGAATGGCCC-3'
Protein context (NP_660208.2, residues 616-636): EIAIDVPNVS[Trp626Cys]SDIGGLESIK